The following is an entry in ClinVar:

ClinVar aggregate classification (germline): Uncertain significance. Review status: criteria provided, multiple submitters, no conflicts (2 of 4 stars). 2 submissions from 2 submitters: Uncertain significance (2). Last evaluated 2024-05-22.

Conditions:
Immunodeficiency 104. Also called: Severe combined immunodeficiency, autosomal recessive, T cell-negative, B cell-positive, NK cell-positive; SCID, AUTOSOMAL RECESSIVE, T CELL-NEGATIVE, B CELL-POSITIVE, NK CELL-POSITIVE; Severe Combined Immune Deficiency, Autosomal Recessive, TCell -Negative, B Cell-Positive, NK Cell-Positive, IL7R-Related; IMMUNODEFICIENCY 104, SEVERE COMBINED. Identifiers: MedGen C5676890, MONDO:0012163, OMIM 608971.

Allele frequency attached by ClinVar (database versions not stated): ExAC 0.00001; gnomAD 0.00001; gnomAD exomes 0.00001.
gnomAD v4.1: 19 of 1,612,758 alleles (0.0012%); highest among the groups gnomAD compares: Non-Finnish European, 0.0016%; no homozygotes.

Submissions (2):

Labcorp Genetics (formerly Invitae), Labcorp
Classification: Uncertain significance for Immunodeficiency 104. Last evaluated: 2024-05-22. Review status: criteria provided, single submitter. Criteria: Invitae Variant Classification Sherloc (09022015). Collection method: clinical testing. Allele origin: germline.
Comment: This sequence change replaces lysine, which is basic and polar, with asparagine, which is neutral and polar, at codon 1056 of the PTPRC protein (p.Lys1056Asn). This variant is present in population databases (rs774382417, gnomAD 0.002%). This variant has not been reported in the literature in individuals affected with PTPRC-related conditions. ClinVar contains an entry for this variant (Variation ID: 1524955). An algorithm developed to predict the effect of missense changes on protein structure and function (PolyPhen-2) suggests that this variant is likely to be disruptive. In summary, the available evidence is currently insufficient to determine the role of this variant in disease. Therefore, it has been classified as a Variant of Uncertain Significance.

Mayo Clinic Laboratories, Mayo Clinic
Classification: Uncertain significance. Last evaluated: 2022-03-15. Review status: criteria provided, single submitter. Criteria: ACMG Guidelines, 2015. Collection method: clinical testing. Allele origin: germline. Observed: 1 variant allele.
Comment: BP4

NM_002838.5(PTPRC):c.3168A>C (p.Lys1056Asn)

Gene: PTPRC (protein tyrosine phosphatase receptor type C; plus strand). Cytogenetic location: 1q32.1.
Variant type: single nucleotide variant.
Coding change: c.3168A>C on transcript NM_002838.5 (MANE Select); coding-DNA position 3168, A replaced by C.
Protein change: p.Lys1056Asn; replaces lysine 1056 with asparagine.
Molecular consequence: missense variant.
Genome position (GRCh38, 1-based): chr1:198,750,587, A>C. VCF-style: chr1-198750587-A-C. GRCh37 (hg19) VCF-style: chr1-198719716-A-C.
Other names: p.Lys1056Asn; c.2685A>C, p.Lys895Asn (NM_080921.4); c.3168A>C (NM_002838.4); short protein forms K895N, K1056N.
Identifiers: ClinVar variation 1524955 (VCV001524955.8), dbSNP rs774382417, ClinGen allele CA1315365.